The following is an entry in ClinVar:

NM_024426.6(WT1):c.581C>T (p.Ser194Leu)

Genes: WT1 (WT1 transcription factor; minus strand), LOC107982234 (WT1/WT1-AS bi-directional promoter region; plus strand). Cytogenetic location: 11p13.
Variant type: single nucleotide variant.
Coding change: c.581C>T on transcript NM_024426.6 (MANE Select); coding-DNA position 581, C replaced by T.
Protein change: p.Ser194Leu; replaces serine 194 with leucine.
Molecular consequence: missense variant. On other transcripts: non-coding transcript variant (1).
Genome position (GRCh38, 1-based): chr11:32,434,780, G>A on the plus strand (C>T on the coding strand, the complement: WT1 is on the minus strand). VCF-style: chr11-32434780-G-A. GRCh37 (hg19) VCF-style: chr11-32456326-G-A.
Other names: c.581C>T, p.Ser194Leu (NM_000378.6, NM_024424.5); c.566C>T (NM_024426.4); short protein forms S194L.
Identifiers: ClinVar variation 1419736 (VCV001419736.9), dbSNP rs2133101846, ClinGen allele CA379964593.

ClinVar aggregate classification (germline): Uncertain significance. Review status: criteria provided, multiple submitters, no conflicts (2 of 4 stars). 2 submissions from 2 submitters: Uncertain significance (2). Last evaluated 2025-02-04.

Conditions:
Frasier syndrome. Identifiers: Orphanet 347, MedGen C0950122, MeSH D052159, MONDO:0007635, OMIM 136680.
Drash syndrome (DDS). Also called: NEPHROPATHY, WILMS TUMOR, AND GENITAL ANOMALIES; WILMS TUMOR AND PSEUDO- OR TRUE HERMAPHRODITISM. Identifiers: Orphanet 220, MedGen C0950121, MONDO:0008682, OMIM 194080.
Wilms tumor 1 (WT1). Also called: Wilms tumor, somatic. Identifiers: Orphanet 654, MedGen CN033288, MONDO:0008679, OMIM 194070.
11p partial monosomy syndrome (WAGR). Also called: WAGR Complex; CHROMOSOME 11p13 DELETION SYNDROME; WAGR Spectrum Disorder; WAGR syndrome. Identifiers: Orphanet 893, MedGen C0206115, MONDO:0008681, OMIM 194072.
Inborn genetic diseases. Identifiers: MedGen C0950123, MeSH D030342.

Submissions (2):

Ambry Genetics
Classification: Uncertain significance for Inborn genetic diseases. Last evaluated: 2025-02-04. Review status: criteria provided, single submitter. Criteria: Ambry Variant Classification Scheme 2023. Collection method: clinical testing. Allele origin: germline.
Comment: The p.S189L variant (also known as c.566C>T), located in coding exon 1 of the WT1 gene, results from a C to T substitution at nucleotide position 566. The serine at codon 189 is replaced by leucine, an amino acid with dissimilar properties. This amino acid position is conserved. In addition, the in silico prediction for this alteration is inconclusive. Based on the available evidence, the clinical significance of this variant remains unclear.

Labcorp Genetics (formerly Invitae), Labcorp
Classification: Uncertain significance for Wilms tumor 1; Drash syndrome; 11p partial monosomy syndrome; Frasier syndrome. Last evaluated: 2023-07-08. Review status: criteria provided, single submitter. Criteria: Invitae Variant Classification Sherloc (09022015). Collection method: clinical testing. Allele origin: germline.
Comment: In summary, the available evidence is currently insufficient to determine the role of this variant in disease. Therefore, it has been classified as a Variant of Uncertain Significance. Advanced modeling of protein sequence and biophysical properties (such as structural, functional, and spatial information, amino acid conservation, physicochemical variation, residue mobility, and thermodynamic stability) has been performed at Invitae for this missense variant, however the output from this modeling did not meet the statistical confidence thresholds required to predict the impact of this variant on WT1 protein function. ClinVar contains an entry for this variant (Variation ID: 1419736). This variant has not been reported in the literature in individuals affected with WT1-related conditions. This variant is not present in population databases (gnomAD no frequency). This sequence change replaces serine, which is neutral and polar, with leucine, which is neutral and non-polar, at codon 189 of the WT1 protein (p.Ser189Leu).